The following is an entry in ClinVar:

ClinVar aggregate classification (germline): Likely benign. Review status: reviewed by expert panel (3 of 4 stars). 16 submissions from 16 submitters: Likely benign (1). 15 of the submissions do not count toward it. Last evaluated 2017-06-29.

Conditions:
Breast and/or ovarian cancer. Identifiers: MedGen CN221562.
Familial cancer of breast. Also called: hereditary breast carcinoma; BREAST CANCER, FAMILIAL; Hereditary breast cancer. Identifiers: Orphanet 227535, MedGen C0346153, MONDO:0016419, OMIM 114480. Disease mechanism: loss of function.
Breast-ovarian cancer, familial, susceptibility to, 2 (BROVCA2). Also called: BRCA2 Hereditary Breast and Ovarian Cancer. Identifiers: Orphanet 145, MedGen C2675520, MONDO:0012933, OMIM 612555. Disease mechanism: loss of function.
Fanconi anemia complementation group D1. Also called: BRCA2-Related Fanconi Anemia. Identifiers: Orphanet 319462, MedGen C1838457, MONDO:0011584, OMIM 605724.
Medulloblastoma (MDB). Also called: Medulloblastoma, somatic; MEDULLOBLASTOMA PREDISPOSITION SYNDROME. Identifiers: Orphanet 616, MedGen C0025149, MeSH D008527, MONDO:0007959, OMIM 155255, HP:0002885.
Prostate cancer. Also called: Malignant tumor of prostate. Identifiers: Orphanet 1331, MedGen C0376358, MONDO:0008315, HP:0012125.
Wilms tumor 1 (WT1). Also called: Wilms tumor, somatic. Identifiers: Orphanet 654, MedGen CN033288, MONDO:0008679, OMIM 194070.
Pancreatic cancer, susceptibility to, 2. Identifiers: Orphanet 1333, MedGen C3150546, MONDO:0013235, OMIM 613347.
Glioma susceptibility 3 (GLM3). Also called: Glioblastoma 3. Identifiers: Orphanet 182067, Orphanet 360, MedGen C2751641, MONDO:0013093, OMIM 613029.
Hereditary cancer-predisposing syndrome. Also called: Neoplastic Syndromes, Hereditary; Hereditary neoplastic syndrome; Hereditary Cancer Syndrome; Tumor predisposition. Identifiers: Orphanet 140162, MedGen C0027672, MeSH D009386, MONDO:0015356.
Hereditary breast ovarian cancer syndrome. Also called: BRCA1- and BRCA2-Associated Hereditary Breast and Ovarian Cancer; Hereditary breast and ovarian cancer syndrome; Hereditary breast and ovarian cancer syndrome (HBOC); Hereditary breast and ovarian cancer; Breast and ovarian cancer; Hereditary breast and/or ovarian cancer syndrome. Identifiers: Orphanet 145, MedGen C0677776, MeSH D061325, MONDO:0003582. Disease mechanism: loss of function.

Allele frequency attached by ClinVar (database versions not stated): 1000 Genomes Project 30x 0.00016; TOPMed 0.00018; gnomAD 0.00025 and 0.00024; 1000 Genomes Project 0.00020; gnomAD exomes 0.00003 and 0.00009; ExAC 0.00010; ESP Exome Variant Server 0.00008.

Submissions (16):

Evidence-based Network for the Interpretation of Germline Mutant Alleles (ENIGMA)
Classification: Likely benign for Breast-ovarian cancer, familial, susceptibility to, 2. Last evaluated: 2017-06-29. Review status: reviewed by expert panel. Criteria: ENIGMA BRCA1/2 Classification Criteria (2017-06-29). Collection method: curation. Allele origin: germline.
Comment: Synonymous substitution variant, with low bioinformatic likelihood to result in a splicing aberration (Splicing prior probability 0.02).

Labcorp Genetics (formerly Invitae), Labcorp
Classification: Benign for Hereditary breast ovarian cancer syndrome. Last evaluated: 2026-01-16. Review status: criteria provided, single submitter. Criteria: Invitae Variant Classification Sherloc (09022015). Collection method: clinical testing. Allele origin: germline. Not counted in ClinVar's aggregate classification.

Quest Diagnostics Nichols Institute San Juan Capistrano
Classification: Likely benign. Last evaluated: 2025-04-14. Review status: criteria provided, single submitter. Criteria: Quest Diagnostics criteria. Collection method: clinical testing. Allele origin: unknown. Not counted in ClinVar's aggregate classification.

Center for Genomic Medicine, Rigshospitalet, Copenhagen University Hospital
Classification: Likely benign. Last evaluated: 2025-03-04. Review status: criteria provided, single submitter. Criteria: ACMG Guidelines, 2015. Collection method: clinical testing. Allele origin: germline. Not counted in ClinVar's aggregate classification.

Blueprint Genetics
Classification: Likely benign. Last evaluated: 2024-07-25. Review status: criteria provided, single submitter. Criteria: ACMG Guidelines, 2015. Collection method: clinical testing. Allele origin: germline. Not counted in ClinVar's aggregate classification.

Department of Pathology and Laboratory Medicine, Sinai Health System
Classification: Uncertain significance for Familial cancer of breast; Breast-ovarian cancer, familial, susceptibility to, 2. Last evaluated: 2024-05-15. Review status: criteria provided, single submitter. Criteria: ACMG Guidelines, 2015. Collection method: clinical testing. Allele origin: germline. Affected: yes. Not counted in ClinVar's aggregate classification.

KCCC/NGS Laboratory, Kuwait Cancer Control Center
Classification: Likely benign for Breast-ovarian cancer, familial, susceptibility to, 2. Last evaluated: 2023-07-07. Review status: criteria provided, single submitter. Criteria: ACMG Guidelines, 2015. Collection method: clinical testing. Allele origin: germline. Affected: yes. Not counted in ClinVar's aggregate classification.

Fulgent Genetics
Classification: Likely benign for Familial cancer of breast; Medulloblastoma; Familial prostate cancer; Wilms tumor 1; Fanconi anemia complementation group D1; Breast-ovarian cancer, familial, susceptibility to, 2; Glioma susceptibility 3; Pancreatic cancer, susceptibility to, 2. Last evaluated: 2022-05-25. Review status: criteria provided, single submitter. Criteria: ACMG Guidelines, 2015. Collection method: clinical testing. Allele origin: unknown. Not counted in ClinVar's aggregate classification.

Sema4
Classification: Likely benign for Hereditary cancer-predisposing syndrome. Last evaluated: 2022-03-01. Review status: criteria provided, single submitter. Criteria: Sema4 Curation Guidelines. Collection method: curation. Allele origin: germline. Not counted in ClinVar's aggregate classification.

CHEO Genetics Diagnostic Laboratory, Children's Hospital of Eastern Ontario
Classification: Likely benign for Breast and/or ovarian cancer. Last evaluated: 2021-06-15. Review status: criteria provided, single submitter. Criteria: ACMG Guidelines, 2015. Collection method: clinical testing. Allele origin: germline. Not counted in ClinVar's aggregate classification.

GeneDx
Classification: Likely benign. Last evaluated: 2020-09-15. Review status: criteria provided, single submitter. Criteria: GeneDx Variant Classification Process June 2021. Collection method: clinical testing. Allele origin: germline. Affected: yes. Not counted in ClinVar's aggregate classification.
Comment: This variant is associated with the following publications: (PMID: 23451180, 25451944)

ARUP Laboratories, Molecular Genetics and Genomics, ARUP Laboratories
Classification: Likely benign. Last evaluated: 2019-10-14. Review status: criteria provided, single submitter. Criteria: ARUP Molecular Germline Variant Investigation Process. Collection method: clinical testing. Allele origin: germline. Not counted in ClinVar's aggregate classification.

Color Diagnostics, LLC DBA Color Health
Classification: Likely benign for Hereditary cancer-predisposing syndrome. Last evaluated: 2016-06-16. Review status: criteria provided, single submitter. Criteria: ACMG Guidelines, 2015. Collection method: clinical testing. Allele origin: germline. Not counted in ClinVar's aggregate classification.

Molecular Genetics Laboratory, University of Michigan
Classification: Likely benign for Breast-ovarian cancer, familial, susceptibility to, 2. Last evaluated: 2016-04-21. Review status: criteria provided, single submitter. Criteria: ACMG Guidelines, 2015. Collection method: clinical testing. Allele origin: germline. Affected: yes. Not counted in ClinVar's aggregate classification.

Ambry Genetics
Classification: Likely benign for Hereditary cancer-predisposing syndrome. Last evaluated: 2015-11-02. Review status: criteria provided, single submitter. Criteria: Ambry Variant Classification Scheme 2023. Collection method: clinical testing. Allele origin: germline. Not counted in ClinVar's aggregate classification.

Counsyl
Classification: Likely benign for Breast-ovarian cancer, familial, susceptibility to, 2. Last evaluated: 2017-01-18. Review status: no assertion criteria provided. Collection method: clinical testing. Allele origin: unknown. Not counted in ClinVar's aggregate classification.

Literature cited by the submitters: PubMed 23451180 (cited by Quest Diagnostics Nichols Institute San Juan Capistrano and Department of Pathology and Laboratory Medicine, Sinai Health System); PubMed 25451944 (cited by Quest Diagnostics Nichols Institute San Juan Capistrano); PubMed 30287823 (cited by Quest Diagnostics Nichols Institute San Juan Capistrano and Department of Pathology and Laboratory Medicine, Sinai Health System); PubMed 31214711 (cited by Quest Diagnostics Nichols Institute San Juan Capistrano).

NM_000059.4(BRCA2):c.9876G>A (p.Pro3292=)

Gene: BRCA2 (BRCA2 DNA repair associated; plus strand). Cytogenetic location: 13q13.1.
Variant type: single nucleotide variant.
Coding change: c.9876G>A on transcript NM_000059.4 (MANE Select); coding-DNA position 9876, G replaced by A.
Protein change: p.Pro3292=; no amino-acid change (proline 3292 retained).
Molecular consequence: synonymous variant.
Genome position (GRCh38, 1-based): chr13:32,398,389, G>A. VCF-style: chr13-32398389-G-A. GRCh37 (hg19) VCF-style: chr13-32972526-G-A.
Other names: p.P3292P:CCG>CCA.
Identifiers: ClinVar variation 182304 (VCV000182304.39), dbSNP rs369047997, ClinGen allele CA026320.